The following is an entry in ClinVar:

ClinVar aggregate classification (germline): Uncertain significance. Review status: criteria provided, multiple submitters, no conflicts (2 of 4 stars). 6 submissions from 6 submitters: Uncertain significance (6). Last evaluated 2025-02-19.

Conditions:
Hypertrophic cardiomyopathy. Also called: HYPERTROPHIC MYOCARDIOPATHY. Identifiers: Orphanet 217569, MedGen C0007194, MeSH D002312, MONDO:0005045, HP:0001639.
Cardiomyopathy (CMYO). Also called: Cardiomyopathies. Identifiers: Orphanet 167848, MedGen C0878544, MONDO:0004994, HP:0001638. Inheritance: Various modes of inheritance.
Lethal congenital glycogen storage disease of heart. Also called: GLYCOGEN STORAGE DISEASE OF HEART; PHOSPHORYLASE KINASE DEFICIENCY OF HEART. Identifiers: Orphanet 439854, MedGen C1849813, MONDO:0009867, OMIM 261740.

Allele frequency attached by ClinVar (database versions not stated): gnomAD 0.00001; gnomAD exomes 0.00001 and 0.00003; TOPMed 0.00001; ExAC 0.00005.
gnomAD v4.1: 21 of 1,614,004 alleles (0.0013%); highest among the groups gnomAD compares: Non-Finnish European, 0.0017%; no homozygotes.

Submissions (6):

Labcorp Genetics (formerly Invitae), Labcorp
Classification: Uncertain significance for Lethal congenital glycogen storage disease of heart. Last evaluated: 2025-02-19. Review status: criteria provided, single submitter. Criteria: Invitae Variant Classification Sherloc (09022015). Collection method: clinical testing. Allele origin: germline.
Comment: This sequence change replaces proline, which is neutral and non-polar, with serine, which is neutral and polar, at codon 140 of the PRKAG2 protein (p.Pro140Ser). This variant is present in population databases (rs755782342, gnomAD 0.006%). This missense change has been observed in individual(s) with hypertrophic cardiomyopathy (PMID: 29875424, 30847666). ClinVar contains an entry for this variant (Variation ID: 810216). Invitae Evidence Modeling of protein sequence and biophysical properties (such as structural, functional, and spatial information, amino acid conservation, physicochemical variation, residue mobility, and thermodynamic stability) indicates that this missense variant is not expected to disrupt PRKAG2 protein function with a negative predictive value of 95%. In summary, the available evidence is currently insufficient to determine the role of this variant in disease. Therefore, it has been classified as a Variant of Uncertain Significance.

All of Us Research Program, National Institutes of Health
Classification: Uncertain significance for Hypertrophic cardiomyopathy. Last evaluated: 2024-03-24. Review status: criteria provided, single submitter. Criteria: ACMG Guidelines, 2015. Collection method: clinical testing. Allele origin: germline. Inheritance: Autosomal dominant inheritance. Observed: 3 variant alleles, 3 heterozygotes.
Comment: This missense variant replaces proline with serine at codon 140 of the PRKAG2 protein. Computational prediction tools indicate that this variant has a neutral impact on protein structure and function. To our knowledge, functional studies have not been reported for this variant. This variant has been reported in two individual affected with hypertrophic cardiomyopathy (PMID: 29875424, 30847666). One of these individuals also carried a pathogenic variant in the MYH7 gene (PMID: 30847666). This variant has been identified in 9/282684 chromosomes in the general population by the Genome Aggregation Database (gnomAD). The available evidence is insufficient to determine the role of this variant in disease conclusively. Therefore, this variant is classified as a Variant of Uncertain Significance.

This study involves interpretation of variants in research participants for the purpose of population health screening. Participant phenotype was not available at the time of variant classification. Additional details can be found in publication PMID: 35346344, PMCID: PMC8962531

Color Diagnostics, LLC DBA Color Health
Classification: Uncertain significance for Cardiomyopathy. Last evaluated: 2024-03-13. Review status: criteria provided, single submitter. Criteria: ACMG Guidelines, 2015. Collection method: clinical testing. Allele origin: germline.
Comment: This missense variant replaces proline with serine at codon 140 of the PRKAG2 protein. Computational prediction tools indicate that this variant has a neutral impact on protein structure and function. To our knowledge, functional studies have not been reported for this variant. This variant has been reported in two individual affected with hypertrophic cardiomyopathy (PMID: 29875424, 30847666). One of these individuals also carried a pathogenic variant in the MYH7 gene (PMID: 30847666). This variant has been identified in 9/282684 chromosomes in the general population by the Genome Aggregation Database (gnomAD). The available evidence is insufficient to determine the role of this variant in disease conclusively. Therefore, this variant is classified as a Variant of Uncertain Significance.

GeneDx
Classification: Uncertain significance. Last evaluated: 2023-01-27. Review status: criteria provided, single submitter. Criteria: GeneDx Variant Classification Process June 2021. Collection method: clinical testing. Allele origin: germline. Affected: yes.
Comment: Identified in patients with HCM in published literature (Mazzarotto et al., 2018; van Lint et al., 2019); at least one patient harbored an additional cardiogenetic variant; In silico analysis supports that this missense variant does not alter protein structure/function; This variant is associated with the following publications: (PMID: 30847666, 29875424)

Blueprint Genetics
Classification: Uncertain significance. Last evaluated: 2022-08-30. Review status: criteria provided, single submitter. Criteria: ACMG Guidelines, 2015. Collection method: clinical testing. Allele origin: germline.

CeGaT Center for Human Genetics Tuebingen
Classification: Uncertain significance. Last evaluated: 2016-07-01. Review status: criteria provided, single submitter. Criteria: CeGaT Center For Human Genetics Tuebingen Variant Classification Criteria Version 2. Collection method: clinical testing. Allele origin: germline. Affected: yes. Observed: 1 variant allele.

Literature cited by the submitters: PubMed 29875424 (cited by 3 submitters); PubMed 30847666 (cited by 3 submitters).

NM_016203.4(PRKAG2):c.418C>T (p.Pro140Ser)

Gene: PRKAG2 (protein kinase AMP-activated non-catalytic subunit gamma 2; minus strand). Cytogenetic location: 7q36.1.
Variant type: single nucleotide variant.
Coding change: c.418C>T on transcript NM_016203.4 (MANE Select); coding-DNA position 418, C replaced by T.
Protein change: p.Pro140Ser; replaces proline 140 with serine.
Molecular consequence: missense variant.
Genome position (GRCh38, 1-based): chr7:151,781,200, G>A on the plus strand (C>T on the coding strand, the complement: PRKAG2 is on the minus strand). VCF-style: chr7-151781200-G-A. GRCh37 (hg19) VCF-style: chr7-151478286-G-A.
Other names: c.286C>T, p.Pro96Ser (NM_001040633.2); c.418C>T (NM_016203.3); short protein forms P96S, P140S.
Identifiers: ClinVar variation 810216 (VCV000810216.54), dbSNP rs755782342, ClinGen allele CA057028.